The following is an entry in ClinVar:

NM_001195263.2(PDZD7):c.2201C>T (p.Pro734Leu)

Gene: PDZD7 (PDZ domain containing 7; minus strand). Cytogenetic location: 10q24.31.
Variant type: single nucleotide variant.
Coding change: c.2201C>T on transcript NM_001195263.2 (MANE Select); coding-DNA position 2201, C replaced by T.
Protein change: p.Pro734Leu; replaces proline 734 with leucine.
Molecular consequence: missense variant.
Genome position (GRCh38, 1-based): chr10:101,010,688, G>A on the plus strand (C>T on the coding strand, the complement: PDZD7 is on the minus strand). VCF-style: chr10-101010688-G-A. GRCh37 (hg19) VCF-style: chr10-102770445-G-A.
Other names: short protein forms P734L.
Identifiers: ClinVar variation 3381589 (VCV003381589.1).

ClinVar aggregate classification (germline): Uncertain significance (1 of 4 stars; one submission).

gnomAD v4.1: 7 of 1,497,804 alleles (0.00047%); highest among the groups gnomAD compares: Non-Finnish European, 0.00053%; no homozygotes.

Submission:

GeneDx
Classification: Uncertain significance. Last evaluated: 2024-05-20. Review status: criteria provided, single submitter. Criteria: GeneDx Variant Classification Process June 2021. Collection method: clinical testing. Allele origin: germline. Affected: yes.
Comment: Not observed at significant frequency in large population cohorts (gnomAD); Has not been previously published as pathogenic or benign to our knowledge; In silico analysis suggests this variant may impact gene splicing. In the absence of RNA/functional studies, the actual effect of this sequence change is unknown.; In silico analysis does not support a benign or deleterious effect of this variant on protein structure/function